The following is an entry in ClinVar:

NM_004329.3(BMPR1A):c.189C>T (p.Cys63=)

Gene: BMPR1A (bone morphogenetic protein receptor type 1A; plus strand). Cytogenetic location: 10q23.2.
Variant type: single nucleotide variant.
Coding change: c.189C>T on transcript NM_004329.3 (MANE Select); coding-DNA position 189, C replaced by T.
Protein change: p.Cys63=; no amino-acid change (cysteine 63 retained).
Molecular consequence: synonymous variant.
Genome position (GRCh38, 1-based): chr10:86,890,183, C>T. VCF-style: chr10-86890183-C-T. GRCh37 (hg19) VCF-style: chr10-88649940-C-T.
Identifiers: ClinVar variation 490986 (VCV000490986.16), dbSNP rs1413243663, ClinGen allele CA470304571.

ClinVar aggregate classification (germline): Benign/Likely benign. Review status: criteria provided, multiple submitters, no conflicts (2 of 4 stars). 4 submissions from 4 submitters: Benign (1); Likely benign (3). Last evaluated 2024-07-31.

Conditions:
Juvenile polyposis syndrome (JPS). Identifiers: Orphanet 2929, MedGen C0345893, MONDO:0017380, OMIM 174900.
Hereditary cancer-predisposing syndrome. Also called: Tumor predisposition; Neoplastic Syndromes, Hereditary; Hereditary Cancer Syndrome; Hereditary neoplastic syndrome. Identifiers: Orphanet 140162, MedGen C0027672, MeSH D009386, MONDO:0015356.

Allele frequency attached by ClinVar (database versions not stated): TOPMed below 0.00001; gnomAD 0.00001.
gnomAD v4.1: 1 of 1,614,030 alleles (0.000062%); highest among the groups gnomAD compares: African/African-American, 0.0013%; no homozygotes.

Submissions (4):

Myriad Genetics, Inc.
Classification: Benign for Juvenile polyposis syndrome. Last evaluated: 2024-07-31. Review status: criteria provided, single submitter. Criteria: Myriad Autosomal Dominant, Autosomal Recessive and X-Linked Classification Criteria (2023). Collection method: clinical testing. Allele origin: unknown.
Comment: This variant is considered benign. This variant is a silent/synonymous amino acid change and it is not expected to impact splicing.

Labcorp Genetics (formerly Invitae), Labcorp
Classification: Likely benign for Juvenile polyposis syndrome. Last evaluated: 2023-01-20. Review status: criteria provided, single submitter. Criteria: Invitae Variant Classification Sherloc (09022015). Collection method: clinical testing. Allele origin: germline.

Ambry Genetics
Classification: Likely benign for Hereditary cancer-predisposing syndrome. Last evaluated: 2018-12-31. Review status: criteria provided, single submitter. Criteria: Ambry Variant Classification Scheme 2023. Collection method: clinical testing. Allele origin: germline.

Color Diagnostics, LLC DBA Color Health
Classification: Likely benign for Hereditary cancer-predisposing syndrome. Last evaluated: 2016-12-23. Review status: criteria provided, single submitter. Criteria: ACMG Guidelines, 2015. Collection method: clinical testing. Allele origin: germline.